The following is an entry in ClinVar:

NM_016077.5(PTRH2):c.324G>A (p.Trp108Ter)

Gene: PTRH2 (peptidyl-tRNA hydrolase 2; minus strand). Cytogenetic location: 17q23.1.
Variant type: single nucleotide variant.
Coding change: c.324G>A on transcript NM_016077.5 (MANE Select); coding-DNA position 324, G replaced by A.
Protein change: p.Trp108Ter; replaces tryptophan 108 with a stop codon.
Molecular consequence: nonsense.
Genome position (GRCh38, 1-based): chr17:59,697,655, C>T on the plus strand (G>A on the coding strand, the complement: PTRH2 is on the minus strand). VCF-style: chr17-59697655-C-T. GRCh37 (hg19) VCF-style: chr17-57775016-C-T.
Other names: c.324G>A (NM_016077.4); c.327G>A, p.Trp109Ter (NM_001015509.3); short protein forms W108*, W109*.
Identifiers: ClinVar variation 695110 (VCV000695110.9), dbSNP rs1268684924, ClinGen allele CA400429361.

ClinVar aggregate classification (germline): Pathogenic/Likely pathogenic. Review status: criteria provided, multiple submitters, no conflicts (2 of 4 stars). 3 submissions from 3 submitters: Pathogenic (1); Likely pathogenic (1). 1 of the submissions does not count toward it. Last evaluated 2024-05-31.

Conditions:
Neurologic, endocrine, and pancreatic disease, multisystem, infantile-onset 1 (IMNEPD1). Identifiers: Orphanet 456312, MedGen C4015728, MONDO:8000012, OMIM 616263.

Allele frequency attached by ClinVar (database versions not stated): gnomAD exomes below 0.00001.
gnomAD v4.1: 1 of 1,614,148 alleles (0.000062%); highest among the groups gnomAD compares: Non-Finnish European, 0.000085%; no homozygotes.

Submissions (3):

GeneDx
Classification: Likely pathogenic. Last evaluated: 2024-05-31. Review status: criteria provided, single submitter. Criteria: GeneDx Variant Classification Process June 2021. Collection method: clinical testing. Allele origin: germline. Affected: yes.
Comment: Nonsense variant predicted to result in protein truncation as the last 72 amino acids are lost, although loss-of-function variants have not been reported downstream of this position in the protein; Not observed at significant frequency in large population cohorts (gnomAD); This variant is associated with the following publications: (PMID: 37239392, 31057140, 36703223)

Dubai Health Genomic Medicine Center, Dubai Health
Classification: Pathogenic. Last evaluated: 2022-12-17. Review status: criteria provided, single submitter. Criteria: ACMG Guidelines, 2015. Collection method: clinical testing. Allele origin: germline. Affected: yes.

OMIM
Classification: Pathogenic for NEUROLOGIC, ENDOCRINE, AND PANCREATIC DISEASE, MULTISYSTEM, INFANTILE-ONSET 1. Last evaluated: 2021-07-08. Review status: no assertion criteria provided. Collection method: literature only. Allele origin: germline. Not counted in ClinVar's aggregate classification.

Literature cited by the submitters: PubMed 31057140 (cited by OMIM).